The following is an entry in ClinVar:

ClinVar aggregate classification (germline): Likely benign. Review status: criteria provided, multiple submitters, no conflicts (2 of 4 stars). 2 submissions from 2 submitters: Likely benign (2). Last evaluated 2026-04-01.

Conditions:
Spastic paraplegia. Identifiers: MedGen C0037772, HP:0001258.

gnomAD v4.1: 2 of 1,614,192 alleles (0.00012%); highest among the groups gnomAD compares: Middle Eastern, 0.016%; no homozygotes.

Submissions (2):

CeGaT Center for Human Genetics Tuebingen
Classification: Likely benign. Last evaluated: 2026-04-01. Review status: criteria provided, single submitter. Criteria: CeGaT Center For Human Genetics Tuebingen Variant Classification Criteria Version 2. Collection method: clinical testing. Allele origin: germline. Affected: yes. Observed: 1 variant allele.
Comment: SACS: BP4, BP7

Labcorp Genetics (formerly Invitae), Labcorp
Classification: Likely benign for Spastic paraplegia. Last evaluated: 2024-02-08. Review status: criteria provided, single submitter. Criteria: Invitae Variant Classification Sherloc (09022015). Collection method: clinical testing. Allele origin: germline.

NM_014363.6(SACS):c.1533T>C (p.Asp511=)

Gene: SACS (sacsin molecular chaperone; minus strand). Cytogenetic location: 13q12.12.
Variant type: single nucleotide variant.
Coding change: c.1533T>C on transcript NM_014363.6 (MANE Select); coding-DNA position 1533, T replaced by C.
Protein change: p.Asp511=; no amino-acid change (aspartic acid 511 retained).
Molecular consequence: synonymous variant.
Genome position (GRCh38, 1-based): chr13:23,355,079, A>G on the plus strand (T>C on the coding strand, the complement: SACS is on the minus strand). VCF-style: chr13-23355079-A-G. GRCh37 (hg19) VCF-style: chr13-23929218-A-G.
Other names: c.1092T>C, p.Asp364= (NM_001278055.2).
Identifiers: ClinVar variation 1148819 (VCV001148819.11), dbSNP rs778011175, ClinGen allele CA483164164.